The following is an entry in ClinVar:

ClinVar aggregate classification (germline): Uncertain significance. Review status: criteria provided, multiple submitters, no conflicts (2 of 4 stars). 3 submissions from 3 submitters: Uncertain significance (3). Last evaluated 2025-11-06.

Allele frequency attached by ClinVar (database versions not stated): gnomAD 0.00002; gnomAD exomes 0.00003; TOPMed 0.00003.
gnomAD v4.1: 46 of 1,614,036 alleles (0.0028%); highest among the groups gnomAD compares: Non-Finnish European, 0.0037%; no homozygotes.

Submissions (3):

Ambry Genetics
Classification: Uncertain significance. Last evaluated: 2025-11-06. Review status: criteria provided, single submitter. Criteria: Ambry Variant Classification Scheme 2023. Collection method: clinical testing. Allele origin: germline.

Labcorp Genetics (formerly Invitae), Labcorp
Classification: Uncertain significance. Last evaluated: 2022-05-22. Review status: criteria provided, single submitter. Criteria: Invitae Variant Classification Sherloc (09022015). Collection method: clinical testing. Allele origin: germline.
Comment: This sequence change replaces arginine, which is basic and polar, with lysine, which is basic and polar, at codon 834 of the DHX38 protein (p.Arg834Lys). This variant is not present in population databases (gnomAD no frequency). This variant has not been reported in the literature in individuals affected with DHX38-related conditions. ClinVar contains an entry for this variant (Variation ID: 839761). Algorithms developed to predict the effect of missense changes on protein structure and function (SIFT, PolyPhen-2, Align-GVGD) all suggest that this variant is likely to be tolerated. Algorithms developed to predict the effect of sequence changes on RNA splicing suggest that this variant may create or strengthen a splice site. In summary, the available evidence is currently insufficient to determine the role of this variant in disease. Therefore, it has been classified as a Variant of Uncertain Significance.

Blueprint Genetics
Classification: Uncertain significance. Last evaluated: 2019-12-05. Review status: criteria provided, single submitter. Criteria: ACMG Guidelines, 2015. Collection method: clinical testing. Allele origin: germline.

NM_014003.4(DHX38):c.2501G>A (p.Arg834Lys)

Gene: DHX38 (DEAH-box helicase 38; plus strand). Cytogenetic location: 16q22.2.
Variant type: single nucleotide variant.
Coding change: c.2501G>A on transcript NM_014003.4 (MANE Select); coding-DNA position 2501, G replaced by A.
Protein change: p.Arg834Lys; replaces arginine 834 with lysine.
Molecular consequence: missense variant.
Genome position (GRCh38, 1-based): chr16:72,106,018, G>A. VCF-style: chr16-72106018-G-A. GRCh37 (hg19) VCF-style: chr16-72139917-G-A.
Other names: short protein forms R834K.
Identifiers: ClinVar variation 839761 (VCV000839761.9), dbSNP rs963172083, ClinGen allele CA283686664.